The following is an entry in ClinVar:

NM_000047.3(ARSL):c.23+17T>C

Gene: ARSL (arylsulfatase L; minus strand). Cytogenetic location: Xp22.33.
Variant type: single nucleotide variant.
Coding change: c.23+17T>C on transcript NM_000047.3 (MANE Select); 17 bases into the intron after coding-DNA position 23, T replaced by C.
Molecular consequence: intron variant.
Genome position (GRCh38, 1-based): chrX:2,960,361, A>G on the plus strand (T>C on the coding strand, the complement: ARSL is on the minus strand). VCF-style: chrX-2960361-A-G. GRCh37 (hg19) VCF-style: chrX-2878402-A-G.
Other names: c.-189+17T>C (NM_001282628.2, NM_001369080.1); c.23+17T>C (NM_001282631.2); c.50+17T>C (NM_001369079.1).
Identifiers: ClinVar variation 514208 (VCV000514208.8), dbSNP rs766124346, ClinGen allele CA10338287.

ClinVar aggregate classification (germline): Benign/Likely benign. Review status: criteria provided, multiple submitters, no conflicts (2 of 4 stars). 2 submissions from 2 submitters: Benign (1); Likely benign (1). Last evaluated 2026-01-26.

Conditions:
Chondrodysplasia punctata, brachytelephalangic, autosomal. Also called: BRACHYTELEPHALANGIC CHONDRODYSPLASIA PUNCTATA. Identifiers: MedGen C1844853, MONDO:0011238, OMIM 602497.

Allele frequency attached by ClinVar (database versions not stated): gnomAD below 0.00001 and 0.00007; TOPMed 0.00001; gnomAD exomes 0.00015; ExAC 0.00016.
gnomAD v4.1: 121 of 1,087,302 alleles (0.011%); highest among the groups gnomAD compares: South Asian, 0.2%; 1 homozygote.

Submissions (2):

Labcorp Genetics (formerly Invitae), Labcorp
Classification: Benign for Chondrodysplasia punctata, brachytelephalangic, autosomal. Last evaluated: 2026-01-26. Review status: criteria provided, single submitter. Criteria: Invitae Variant Classification Sherloc (09022015). Collection method: clinical testing. Allele origin: germline.

GeneDx
Classification: Likely benign. Last evaluated: 2017-12-15. Review status: criteria provided, single submitter. Criteria: GeneDx Variant Classification (06012015). Collection method: clinical testing. Allele origin: germline. Affected: yes.
Comment: This variant is considered likely benign or benign based on one or more of the following criteria: it is a conservative change, it occurs at a poorly conserved position in the protein, it is predicted to be benign by multiple in silico algorithms, and/or has population frequency not consistent with disease.